The following is an entry in ClinVar:

NM_002693.3(POLG):c.1575_1578del (p.Met525fs)

Gene: POLG (DNA polymerase gamma, catalytic subunit; minus strand). Cytogenetic location: 15q26.1.
Variant type: Deletion.
Coding change: c.1575_1578del on transcript NM_002693.3 (MANE Select); coding-DNA positions 1575 to 1578, 4 bases deleted (GGAT; older notation c.1575_1578delGGAT).
Protein change: p.Met525fs; shifts the reading frame from methionine 525.
Molecular consequence: frameshift variant.
Genome position (GRCh38, 1-based): chr15:89,326,919-89,326,922, ATCC deleted on the plus strand (GGAT on the coding strand, the reverse complement: POLG is on the minus strand); deleting any 4 consecutive bases within chr15:89,326,919-89,326,924 gives the same sequence; the c. name uses the placement nearest the transcript's 3' end. VCF-style (leftmost placement, unchanged base first): chr15-89326918-GATCC-G. GRCh37 (hg19) VCF-style: chr15-89870149-GATCC-G.
Other names: c.1575_1578del, p.Met525fs (NM_001126131.2); short protein forms M525fs.
Identifiers: ClinVar variation 1458421 (VCV001458421.9), dbSNP rs1253517114, ClinGen allele CA619857435.
Genomic context (GRCh38, chr15:89,326,918, plus strand): 5'-GACCTTCCCAGAGACAACCCCTACCCTACCCTACCTCCCACCCATGCTCCCCACCTTCCT[GATCC>G]ATGGGATCACCAGGGGCCCCAGCCCCCTCGATGGGCAACTTGCTGGCTGTGGCTGGTTCC-3'

ClinVar aggregate classification (germline): Pathogenic/Likely pathogenic. Review status: criteria provided, multiple submitters, no conflicts (2 of 4 stars). 4 submissions from 4 submitters: Pathogenic (2); Likely pathogenic (2). Last evaluated 2024-06-06.

Conditions:
Progressive sclerosing poliodystrophy (MTDPS4A). Also called: Mitochondrial DNA Depletion Syndrome 4A; Alpers-Huttenlocher Syndrome (AHS); ALPERS PROGRESSIVE INFANTILE POLIODYSTROPHY; Alpers Syndrome; ALPERS DIFFUSE DEGENERATION OF CEREBRAL GRAY MATTER WITH HEPATIC CIRRHOSIS; Alpers-Huttenlocher Syndrome. Identifiers: Orphanet 726, MedGen C0205710, MONDO:0008758, OMIM 203700.
POLG-related disorder. Also called: POLG-related condition; POLG-Related Disorders; POLG-Related Spectrum Disorders. Identifiers: MedGen C4763519.
Mitochondrial DNA depletion syndrome 4b. Also called: Mitochondrial Neurogastrointestinal Encephalopathy Disease, POLG-Related; MNGIE, POLG-RELATED. Identifiers: Orphanet 298, MedGen C3150914, MONDO:0013350, OMIM 613662.
Progressive external ophthalmoplegia with mitochondrial DNA deletions, autosomal dominant 1 (PEOA1). Also called: PROGRESSIVE EXTERNAL OPHTHALMOPLEGIA, AUTOSOMAL DOMINANT 1; Autosomal Dominant Progressive External Ophthalmoplegia (adPEO). Identifiers: MedGen C1834846, MONDO:0024528, OMIM 157640.
Progressive external ophthalmoplegia with mitochondrial DNA deletions, autosomal recessive 1 (PEOB1). Also called: Autosomal Recessive Progressive External Ophthalmoplegia (arPEO); Progressive external ophthalmoplegia, autosomal recessive 1. Identifiers: Orphanet 254886, MedGen C4225153, MONDO:0009783, OMIM 258450.
Sensory ataxic neuropathy, dysarthria, and ophthalmoparesis (SANDO). Also called: Sensory ataxic neuropathy-dysarthria-ophthalmoparesis syndrome; SENSORY ATAXIC NEUROPATHY WITH MITOCHONDRIAL DNA DELETIONS, AUTOSOMAL RECESSIVE; Ataxia Neuropathy Spectrum (ANS); Epilepsy, progressive myoclonic, type 5. Identifiers: Orphanet 70595, MedGen C1843851, MONDO:0011835, OMIM 607459.

Submissions (4):

Myriad Genetics, Inc.
Classification: Pathogenic for POLG-related disorder. Last evaluated: 2024-06-06. Review status: criteria provided, single submitter. Criteria: Myriad Autosomal Dominant, Autosomal Recessive and X-Linked Classification Criteria (2023). Collection method: clinical testing. Allele origin: unknown.
Comment: NM_002693.2(POLG):c.1575_1578delGGAT(M525Ifs*27) is expected to be pathogenic in the context of POLG-related disorders. This variant is predicted to lead to an abnormal or absent protein product due to the creation of a premature termination codon in POLG, a gene where loss-of-function variants are known to be pathogenic. Please note: this variant was assessed in the context of healthy population screening.

Labcorp Genetics (formerly Invitae), Labcorp
Classification: Pathogenic for Progressive sclerosing poliodystrophy. Last evaluated: 2024-03-28. Review status: criteria provided, single submitter. Criteria: Invitae Variant Classification Sherloc (09022015). Collection method: clinical testing. Allele origin: germline.
Comment: This sequence change creates a premature translational stop signal (p.Met525Ilefs*27) in the POLG gene. It is expected to result in an absent or disrupted protein product. Loss-of-function variants in POLG are known to be pathogenic (PMID: 18546365). This variant is present in population databases (no rsID available, gnomAD 0.007%). This variant has not been reported in the literature in individuals affected with POLG-related conditions. ClinVar contains an entry for this variant (Variation ID: 1458421). For these reasons, this variant has been classified as Pathogenic.

Fulgent Genetics
Classification: Likely pathogenic for Progressive external ophthalmoplegia with mitochondrial DNA deletions, autosomal dominant 1; Progressive sclerosing poliodystrophy; Progressive external ophthalmoplegia with mitochondrial DNA deletions, autosomal recessive 1; Sensory ataxic neuropathy, dysarthria, and ophthalmoparesis; Mitochondrial DNA depletion syndrome 4b. Last evaluated: 2024-01-18. Review status: criteria provided, single submitter. Criteria: ACMG Guidelines, 2015. Collection method: clinical testing. Allele origin: germline.

Baylor Genetics
Classification: Likely pathogenic for Progressive sclerosing poliodystrophy. Last evaluated: 2023-12-03. Review status: criteria provided, single submitter. Criteria: ACMG Guidelines, 2015. Collection method: clinical testing. Allele origin: unknown.

Literature cited by the submitters: PubMed 18546365 (cited by Labcorp Genetics (formerly Invitae), Labcorp).